The following is an entry in ClinVar:

NM_014795.4(ZEB2):c.1952del (p.Pro651fs)

Gene: ZEB2 (zinc finger E-box binding homeobox 2; minus strand). Cytogenetic location: 2q22.3.
Variant type: Deletion.
Coding change: c.1952del on transcript NM_014795.4 (MANE Select); coding-DNA position 1952, one base deleted (C; older notation c.1952delC).
Protein change: p.Pro651fs; shifts the reading frame from proline 651.
Molecular consequence: frameshift variant.
Genome position (GRCh38, 1-based): chr2:144,399,235, G deleted on the plus strand (C on the coding strand, the reverse complement: ZEB2 is on the minus strand); the first of 3 consecutive G bases (chr2:144,399,235-144,399,237); deleting any one gives the same sequence. VCF-style (leftmost placement, unchanged base first): chr2-144399234-TG-T. GRCh37 (hg19) VCF-style: chr2-145156801-TG-T.
Other names: c.1880del, p.Pro627fs (NM_001171653.2); short protein forms P627fs, P651fs.
Identifiers: ClinVar variation 4886453 (VCV004886453.2).

ClinVar aggregate classification (germline): Likely pathogenic (1 of 4 stars; one submission).

Submission:

Dasa
Classification: Likely pathogenic. Last evaluated: 2025-10-28. Review status: criteria provided, single submitter. Criteria: DASA Assertion Criteria. Collection method: clinical testing. Allele origin: germline.
Comment: NM_014795.4(ZEB2):c.1952del (p.Pro651Hisfs*15) is a frameshift variant in ZEB2 predicted to alter the reading frame and introduce a premature termination codon and is predicted to result in an absent or altered protein product. Loss of function is an established disease mechanism for ZEB2 (PMID: 16053902; PMID: 15121779; PMID: 19842203). Also, this variant is absent from population databases. Based on the currently available evidence, this variant is classified as likely pathogenic.

Literature cited by the submitters: PubMed 16053902; PubMed 15121779; PubMed 19842203.